The following is an entry in ClinVar:

ClinVar aggregate classification (germline): Conflicting classifications of pathogenicity. Review status: criteria provided, conflicting classifications (1 of 4 stars). 2 submissions from 2 submitters: Uncertain significance (1); Likely benign (1). Last evaluated 2025-08-25.

gnomAD v4.1: 1 of 1,613,810 alleles (0.000062%); highest among the groups gnomAD compares: Non-Finnish European, 0.000085%; no homozygotes.

Submissions (2):

GeneDx
Classification: Uncertain significance. Last evaluated: 2025-08-25. Review status: criteria provided, single submitter. Criteria: GeneDx Variant Classification Process June 2021. Collection method: clinical testing. Allele origin: germline. Affected: yes.
Comment: Not observed at significant frequency in large population cohorts (gnomAD); In silico analysis suggests this variant may impact gene splicing. In the absence of RNA/functional studies, the actual effect of this sequence change is unknown.; Has not been previously published as pathogenic or benign to our knowledge

Labcorp Genetics (formerly Invitae), Labcorp
Classification: Likely benign. Last evaluated: 2024-04-22. Review status: criteria provided, single submitter. Criteria: Invitae Variant Classification Sherloc (09022015). Collection method: clinical testing. Allele origin: germline.

NM_001457.4(FLNB):c.985-5T>G

Gene: FLNB (filamin B; plus strand). Cytogenetic location: 3p14.3.
Variant type: single nucleotide variant.
Coding change: c.985-5T>G on transcript NM_001457.4 (MANE Select); 5 bases into the intron before coding-DNA position 985, T replaced by G.
Molecular consequence: intron variant.
Genome position (GRCh38, 1-based): chr3:58,097,810, T>G. VCF-style: chr3-58097810-T-G. GRCh37 (hg19) VCF-style: chr3-58083537-T-G.
Other names: c.985-5T>G (NM_001164317.2, NM_001164318.2, NM_001164319.2).
Identifiers: ClinVar variation 3672227 (VCV003672227.3).